The following is an entry in ClinVar:

NM_000361.3(THBD):c.1717C>A (p.Gln573Lys)

Gene: THBD (thrombomodulin; minus strand). Cytogenetic location: 20p11.21.
Variant type: single nucleotide variant.
Coding change: c.1717C>A on transcript NM_000361.3 (MANE Select); coding-DNA position 1717, C replaced by A.
Protein change: p.Gln573Lys; replaces glutamine 573 with lysine.
Molecular consequence: missense variant.
Genome position (GRCh38, 1-based): chr20:23,047,788, G>T on the plus strand (C>A on the coding strand, the complement: THBD is on the minus strand). VCF-style: chr20-23047788-G-T. GRCh37 (hg19) VCF-style: chr20-23028425-G-T.
Other names: short protein forms Q573K.
Identifiers: ClinVar variation 3680824 (VCV003680824.2).
Genomic context (GRCh38, chr20:23,047,788, plus strand): 5'-GAGGAGGCACAGGCTCCTGGACGGAGCCAGGCTCCTGGACGGAGGCCGCTCAGAGTCTCT[G>T]CGGCGTCCGCTCGGTCCGCACGTGCTGCAGCACTACCTCCTTGGAAGGGGCCGCGCACTT-3'
Protein context (NP_000352.1, residues 563-575): LQHVRTERTP[Gln573Lys]RL

ClinVar aggregate classification (germline): Uncertain significance (1 of 4 stars; one submission).

Submission:

Labcorp Genetics (formerly Invitae), Labcorp
Classification: Uncertain significance. Last evaluated: 2024-08-11. Review status: criteria provided, single submitter. Criteria: Invitae Variant Classification Sherloc (09022015). Collection method: clinical testing. Allele origin: germline.
Comment: This sequence change replaces glutamine, which is neutral and polar, with lysine, which is basic and polar, at codon 573 of the THBD protein (p.Gln573Lys). This variant is not present in population databases (gnomAD no frequency). This variant has not been reported in the literature in individuals affected with THBD-related conditions. An algorithm developed to predict the effect of missense changes on protein structure and function (PolyPhen-2) suggests that this variant is likely to be disruptive. In summary, the available evidence is currently insufficient to determine the role of this variant in disease. Therefore, it has been classified as a Variant of Uncertain Significance.